The following is an entry in ClinVar:

ClinVar aggregate classification (germline): Uncertain significance. Review status: criteria provided, multiple submitters, no conflicts (2 of 4 stars). 2 submissions from 2 submitters: Uncertain significance (2). Last evaluated 2025-01-01.

Allele frequency attached by ClinVar (database versions not stated): gnomAD 0.00001.
gnomAD v4.1: 13 of 1,610,470 alleles (0.00081%); highest among the groups gnomAD compares: Non-Finnish European, 0.0011%; no homozygotes.

Submissions (2):

Ambry Genetics
Classification: Uncertain significance. Last evaluated: 2025-01-01. Review status: criteria provided, single submitter. Criteria: Ambry Variant Classification Scheme 2023. Collection method: clinical testing. Allele origin: germline.

Labcorp Genetics (formerly Invitae), Labcorp
Classification: Uncertain significance. Last evaluated: 2024-11-05. Review status: criteria provided, single submitter. Criteria: Invitae Variant Classification Sherloc (09022015). Collection method: clinical testing. Allele origin: germline.
Comment: This sequence change replaces glycine, which is neutral and non-polar, with alanine, which is neutral and non-polar, at codon 30 of the MAPKAPK3 protein (p.Gly30Ala). This variant is present in population databases (no rsID available, gnomAD 0.007%). This variant has not been reported in the literature in individuals affected with MAPKAPK3-related conditions. ClinVar contains an entry for this variant (Variation ID: 1523404). An algorithm developed to predict the effect of missense changes on protein structure and function (PolyPhen-2) suggests that this variant is likely to be tolerated. In summary, the available evidence is currently insufficient to determine the role of this variant in disease. Therefore, it has been classified as a Variant of Uncertain Significance.

NM_001243925.2(MAPKAPK3):c.89G>C (p.Gly30Ala)

Gene: MAPKAPK3 (MAPK activated protein kinase 3; plus strand). Cytogenetic location: 3p21.2.
Variant type: single nucleotide variant.
Coding change: c.89G>C on transcript NM_001243925.2 (MANE Select); coding-DNA position 89, G replaced by C.
Protein change: p.Gly30Ala; replaces glycine 30 with alanine.
Molecular consequence: missense variant.
Genome position (GRCh38, 1-based): chr3:50,617,654, G>C. VCF-style: chr3-50617654-G-C. GRCh37 (hg19) VCF-style: chr3-50655085-G-C.
Other names: c.89G>C (NM_004635.4); c.89G>C, p.Gly30Ala (NM_001243926.2, NM_004635.5); short protein forms G30A.
Identifiers: ClinVar variation 1523404 (VCV001523404.8), dbSNP rs1027886642, ClinGen allele CA352961443.